The following is an entry in ClinVar:

NM_020937.4(FANCM):c.5315_5316del (p.Asp1771_Cys1772insTer)

Gene: FANCM (FA complementation group M; plus strand). Cytogenetic location: 14q21.2.
Variant type: Deletion.
Coding change: c.5315_5316del on transcript NM_020937.4 (MANE Select); coding-DNA positions 5315 to 5316, 2 bases deleted (GT; older notation c.5315_5316delGT).
Protein change: p.Asp1771_Cys1772insTer.
Molecular consequence: nonsense.
Genome position (GRCh38, 1-based): chr14:45,189,337-45,189,338, GT deleted; deleting any 2 consecutive bases within chr14:45,189,336-45,189,338 gives the same sequence; the c. name uses the placement nearest the transcript's 3' end. VCF-style (leftmost placement, unchanged base first): chr14-45189335-CTG-C. GRCh37 (hg19) VCF-style: chr14-45658538-CTG-C.
Other names: c.5237_5238del, p.Asp1745_Cys1746insTer (NM_001308133.2); c.5315_5316delGT (NM_020937.3); c.5315_5316del (NM_020937.2).
Identifiers: ClinVar variation 1075266 (VCV001075266.10), dbSNP rs1566783809, ClinGen allele CA613828535.

ClinVar aggregate classification (germline): Pathogenic/Likely pathogenic. Review status: criteria provided, multiple submitters, no conflicts (2 of 4 stars). 3 submissions from 3 submitters: Pathogenic (1); Likely pathogenic (2). Last evaluated 2024-04-27.

Conditions:
Fanconi anemia (FA). Also called: Fanconi's anemia. Identifiers: Orphanet 84, MedGen C0015625, MeSH D005199, MONDO:0019391.
FANCM-related disorder. Also called: FANCM-related condition.

Submissions (3):

Labcorp Genetics (formerly Invitae), Labcorp
Classification: Pathogenic for Fanconi anemia. Last evaluated: 2024-04-27. Review status: criteria provided, single submitter. Criteria: Invitae Variant Classification Sherloc (09022015). Collection method: clinical testing. Allele origin: germline.
Comment: This sequence change creates a premature translational stop signal (p.Cys1772*) in the FANCM gene. It is expected to result in an absent or disrupted protein product. Loss-of-function variants in FANCM are known to be pathogenic (PMID: 29895858, 30075111). This variant is present in population databases (no rsID available, gnomAD 0.006%). This premature translational stop signal has been observed in individual(s) with breast cancer (PMID: 31991861). ClinVar contains an entry for this variant (Variation ID: 1075266). For these reasons, this variant has been classified as Pathogenic.

GeneDx
Classification: Likely pathogenic. Last evaluated: 2024-03-22. Review status: criteria provided, single submitter. Criteria: GeneDx Variant Classification Process June 2021. Collection method: clinical testing. Allele origin: germline. Affected: yes.
Comment: Nonsense variant predicted to result in protein truncation or nonsense mediated decay in a gene for which loss of function is a known mechanism of disease; Not observed at significant frequency in large population cohorts (gnomAD); Identified in an individual with breast cancer in published literature (PMID: 31991861); This variant is associated with the following publications: (PMID: 31991861)

PreventionGenetics, part of Exact Sciences
Classification: Likely pathogenic for FANCM-related condition. Last evaluated: 2023-03-14. Review status: criteria provided, single submitter. Criteria: ACMG Guidelines, 2015. Collection method: clinical testing. Allele origin: germline.
Comment: The FANCM c.5315_5316delGT variant is predicted to result in premature protein termination (p.Cys1772*). This variant was reported as a germline variant in an individual with breast cancer (Figlioli et al. 2020. PubMed ID: 31991861). This variant is reported in 0.0054% of alleles in individuals of East Asian descent in gnomAD. Frameshift variants in FANCM are expected to be pathogenic. This variant is interpreted as likely pathogenic.

Literature cited by the submitters: PubMed 29895858 (cited by Labcorp Genetics (formerly Invitae), Labcorp); PubMed 30075111 (cited by Labcorp Genetics (formerly Invitae), Labcorp); PubMed 31991861 (cited by Labcorp Genetics (formerly Invitae), Labcorp).